The following is an entry in ClinVar:

NM_007118.4(TRIO):c.5377G>T (p.Val1793Leu)

Gene: TRIO (trio Rho guanine nucleotide exchange factor; plus strand). Cytogenetic location: 5p15.2.
Variant type: single nucleotide variant.
Coding change: c.5377G>T on transcript NM_007118.4 (MANE Select); coding-DNA position 5377, G replaced by T.
Protein change: p.Val1793Leu; replaces valine 1793 with leucine.
Molecular consequence: missense variant. On other transcripts: non-coding transcript variant (1).
Genome position (GRCh38, 1-based): chr5:14,461,192, G>T. VCF-style: chr5-14461192-G-T. GRCh37 (hg19) VCF-style: chr5-14461301-G-T.
Other names: c.5377G>T (NM_007118.2); short protein forms V1793L.
Identifiers: ClinVar variation 1176484 (VCV001176484.37), dbSNP rs746360543, ClinGen allele CA3206728.

ClinVar aggregate classification (germline): Uncertain significance. Review status: criteria provided, multiple submitters, no conflicts (2 of 4 stars). 3 submissions from 3 submitters: Uncertain significance (3). Last evaluated 2025-09-05.

Conditions:
Hereditary ataxia. Also called: Hereditary Ataxias. Identifiers: Orphanet 183518, MedGen C0004138, MONDO:0100309, MONDO:0000557.
Inborn genetic diseases. Identifiers: MedGen C0950123, MeSH D030342.

Allele frequency attached by ClinVar (database versions not stated): TOPMed below 0.00001; gnomAD exomes 0.00001.
gnomAD v4.1: 15 of 1,563,946 alleles (0.00096%); highest among the groups gnomAD compares: Non-Finnish European, 0.0013%; no homozygotes.

Submissions (3):

Ambry Genetics
Classification: Uncertain significance for Inborn genetic diseases. Last evaluated: 2025-09-05. Review status: criteria provided, single submitter. Criteria: Ambry Variant Classification Scheme 2023. Collection method: clinical testing. Allele origin: germline.
Comment: The c.5377G>T (p.V1793L) alteration is located in exon 35 (coding exon 35) of the TRIO gene. This alteration results from a G to T substitution at nucleotide position 5377, causing the valine (V) at amino acid position 1793 to be replaced by a leucine (L). Based on data from gnomAD, the T allele has an overall frequency of 0.001% (1/160026) total alleles studied. The highest observed frequency was 0.002% (1/61496) of European (non-Finnish) alleles. This amino acid position is well conserved in available vertebrate species. This alteration is predicted to be tolerated by in silico analysis. Based on insufficient or conflicting evidence, the clinical significance of this alteration remains unclear.

CeGaT Center for Human Genetics Tuebingen
Classification: Uncertain significance. Last evaluated: 2021-04-01. Review status: criteria provided, single submitter. Criteria: CeGaT Center For Human Genetics Tuebingen Variant Classification Criteria Version 2. Collection method: clinical testing. Allele origin: germline. Affected: yes. Observed: 2 variant alleles.

Cambridge Genomics Laboratory, East Genomic Laboratory Hub, NHS Genomic Medicine Service
Classification: Uncertain significance for Hereditary ataxia. Last evaluated: 2019-10-16. Review status: criteria provided, single submitter. Criteria: ACGS Best Practice Guidelines for Variant Classification in Rare Disease 2020. Collection method: clinical testing. Allele origin: germline. Affected: yes. Observed: 1 variant allele.